The following is an entry in ClinVar:

NM_004304.5(ALK):c.4357G>T (p.Ala1453Ser)

Gene: ALK (ALK receptor tyrosine kinase; minus strand). Cytogenetic location: 2p23.2.
Variant type: single nucleotide variant.
Coding change: c.4357G>T on transcript NM_004304.5 (MANE Select); coding-DNA position 4357, G replaced by T.
Protein change: p.Ala1453Ser; replaces alanine 1453 with serine.
Molecular consequence: missense variant.
Genome position (GRCh38, 1-based): chr2:29,193,730, C>A on the plus strand (G>T on the coding strand, the complement: ALK is on the minus strand). VCF-style: chr2-29193730-C-A. GRCh37 (hg19) VCF-style: chr2-29416596-C-A.
Other names: c.1153G>T, p.Ala385Ser (NM_001353765.2); short protein forms A1453S, A385S.
Identifiers: ClinVar variation 1385974 (VCV001385974.8), dbSNP rs752317227, ClinGen allele CA346462439.
Genomic context (GRCh38, chr2:29,193,730, plus strand): 5'-CTTCCACGGCCGGCCCTCTAGGGACTCGAACAGAGATCTCTGCAGCTGTGGGTTTCTTTG[C>A]AGCCTTGCCAGAGGAGGTGGTAGGCAGAGGTGGTGGGGCAGCTGGGCTGCGCTCCTCCTC-3'
Protein context (NP_004295.2, residues 1443-1463): PLPTTSSGKA[Ala1453Ser]KKPTAAEISV

ClinVar aggregate classification (germline): Uncertain significance (1 of 4 stars; one submission).

Conditions:
Neuroblastoma, susceptibility to, 3. Also called: ALK-Related Neuroblastic Tumor Susceptibility. Identifiers: Orphanet 635, MedGen C2751681, MONDO:0013083, OMIM 613014.

gnomAD v4.1: 6 of 1,604,322 alleles (0.00037%); highest among the groups gnomAD compares: Non-Finnish European, 0.00051%; no homozygotes.

Submission:

Labcorp Genetics (formerly Invitae), Labcorp
Classification: Uncertain significance for Neuroblastoma, susceptibility to, 3. Last evaluated: 2023-08-24. Review status: criteria provided, single submitter. Criteria: Invitae Variant Classification Sherloc (09022015). Collection method: clinical testing. Allele origin: germline.
Comment: This sequence change replaces alanine, which is neutral and non-polar, with serine, which is neutral and polar, at codon 1453 of the ALK protein (p.Ala1453Ser). This variant is not present in population databases (gnomAD no frequency). This variant has not been reported in the literature in individuals affected with ALK-related conditions. ClinVar contains an entry for this variant (Variation ID: 1385974). An algorithm developed to predict the effect of missense changes on protein structure and function (PolyPhen-2) suggests that this variant is likely to be tolerated. In summary, the available evidence is currently insufficient to determine the role of this variant in disease. Therefore, it has been classified as a Variant of Uncertain Significance.